The following is an entry in ClinVar:

NM_000501.4(ELN):c.1863C>T (p.Ala621=)

Gene: ELN (elastin; plus strand). Cytogenetic location: 7q11.23.
Variant type: single nucleotide variant.
Coding change: c.1863C>T on transcript NM_000501.4 (MANE Select); coding-DNA position 1863, C replaced by T.
Protein change: p.Ala621=; no amino-acid change (alanine 621 retained).
Molecular consequence: synonymous variant.
Genome position (GRCh38, 1-based): chr7:74,063,314, C>T. VCF-style: chr7-74063314-C-T. GRCh37 (hg19) VCF-style: chr7-73477644-C-T.
Other names: c.1776C>T, p.Ala592= (NM_001081752.3); c.1821C>T, p.Ala607= (NM_001081753.3); c.1878C>T, p.Ala626= (NM_001081754.3); c.1806C>T, p.Ala602= (NM_001081755.3); c.1863C>T, p.Ala621= (NM_001278912.2); c.1620C>T, p.Ala540= (NM_001278913.2); c.1791C>T, p.Ala597= (NM_001278914.2); c.1881C>T, p.Ala627= (NM_001278915.2); and 4 more.
Identifiers: ClinVar variation 1958463 (VCV001958463.32), dbSNP rs782389686, ClinGen allele CA4293268.

ClinVar aggregate classification (germline): Likely benign. Review status: criteria provided, multiple submitters, no conflicts (2 of 4 stars). 2 submissions from 2 submitters: Likely benign (2). Last evaluated 2023-04-01.

Conditions:
Supravalvar aortic stenosis (SVAS). Also called: Supravalvar aortic stenosis, Eisenberg type. Identifiers: Orphanet 3193, MedGen C0003499, MONDO:0008504, OMIM 185500, HP:0004381.

Allele frequency attached by ClinVar (database versions not stated): gnomAD exomes 0.00001; gnomAD 0.00002; TOPMed 0.00002; ExAC 0.00005.
gnomAD v4.1: 18 of 1,550,316 alleles (0.0012%); highest among the groups gnomAD compares: African/African-American, 0.011%; no homozygotes.

Submissions (2):

CeGaT Center for Human Genetics Tuebingen
Classification: Likely benign. Last evaluated: 2023-04-01. Review status: criteria provided, single submitter. Criteria: CeGaT Center For Human Genetics Tuebingen Variant Classification Criteria Version 2. Collection method: clinical testing. Allele origin: germline. Affected: yes. Observed: 1 variant allele.
Comment: ELN: BP4, BP7

Labcorp Genetics (formerly Invitae), Labcorp
Classification: Likely benign for Supravalvar aortic stenosis. Last evaluated: 2022-05-17. Review status: criteria provided, single submitter. Criteria: Invitae Variant Classification Sherloc (09022015). Collection method: clinical testing. Allele origin: germline.